The following is an entry in ClinVar:

ClinVar aggregate classification (germline): Uncertain significance. Review status: criteria provided, multiple submitters, no conflicts (2 of 4 stars). 2 submissions from 2 submitters: Uncertain significance (2). Last evaluated 2026-06-12.

Conditions:
Neuronal ceroid lipofuscinosis 1 (CLN1). Also called: CEROID LIPOFUSCINOSIS, NEURONAL, 1, VARIABLE AGE AT ONSET; PPT1-Related Neuronal Ceroid-Lipofuscinosis. Identifiers: Orphanet 228329, MedGen C1850451, MONDO:0009744, OMIM 256730.

Allele frequency attached by ClinVar (database versions not stated): gnomAD exomes below 0.00001; ExAC 0.00001.
gnomAD v4.1: 3 of 1,613,796 alleles (0.00019%); highest among the groups gnomAD compares: Non-Finnish European, 0.00025%; no homozygotes.

Submissions (2):

Myriad Genetics, Inc.
Classification: Uncertain significance for Neuronal ceroid lipofuscinosis 1. Last evaluated: 2026-06-12. Review status: criteria provided, single submitter. Criteria: Myriad Autosomal Dominant, Autosomal Recessive and X-Linked Classification Criteria (2023). Collection method: clinical testing. Allele origin: unknown.
Comment: NM_000310.3(PPT1):c.646A>G(K216E) is a missense variant classified as a variant of uncertain significance in the context of neuronal ceroid lipofuscinosis, PPT1-related. K216E has been observed in a case with relevant disease (PMID: 38053925). Relevant functional assessments of this variant are not available in the literature. K216E has not been observed in referenced population frequency databases. In summary, there is insufficient evidence to classify NM_000310.3(PPT1):c.646A>G(K216E) as pathogenic or benign. Please note: this variant was assessed in the context of healthy population screening.

Labcorp Genetics (formerly Invitae), Labcorp
Classification: Uncertain significance for Neuronal ceroid lipofuscinosis 1. Last evaluated: 2022-05-16. Review status: criteria provided, single submitter. Criteria: Invitae Variant Classification Sherloc (09022015). Collection method: clinical testing. Allele origin: germline.
Comment: This sequence change replaces lysine, which is basic and polar, with glutamic acid, which is acidic and polar, at codon 216 of the PPT1 protein (p.Lys216Glu). This variant is not present in population databases (gnomAD no frequency). This variant has not been reported in the literature in individuals affected with PPT1-related conditions. ClinVar contains an entry for this variant (Variation ID: 465416). Advanced modeling of protein sequence and biophysical properties (such as structural, functional, and spatial information, amino acid conservation, physicochemical variation, residue mobility, and thermodynamic stability) performed at Invitae indicates that this missense variant is expected to disrupt PPT1 protein function. In summary, the available evidence is currently insufficient to determine the role of this variant in disease. Therefore, it has been classified as a Variant of Uncertain Significance.

Literature cited by the submitters: PubMed 38053925 (cited by Myriad Genetics, Inc.).

NM_000310.4(PPT1):c.646A>G (p.Lys216Glu)

Gene: PPT1 (palmitoyl-protein thioesterase 1; minus strand). Cytogenetic location: 1p34.2.
Variant type: single nucleotide variant.
Coding change: c.646A>G on transcript NM_000310.4 (MANE Select); coding-DNA position 646, A replaced by G.
Protein change: p.Lys216Glu; replaces lysine 216 with glutamic acid.
Molecular consequence: missense variant.
Genome position (GRCh38, 1-based): chr1:40,078,640, T>C on the plus strand (A>G on the coding strand, the complement: PPT1 is on the minus strand). VCF-style: chr1-40078640-T-C. GRCh37 (hg19) VCF-style: chr1-40544312-T-C.
Other names: c.337A>G, p.Lys113Glu (NM_001142604.2); c.646A>G, p.Lys216Glu (NM_001363695.2); short protein forms K216E, K113E.
Identifiers: ClinVar variation 465416 (VCV000465416.7), dbSNP rs766163400, ClinGen allele CA789593.